The following is an entry in ClinVar:

NC_000004.11:g.(?_164050049)_(164069606_?)dup

Gene: NAF1 (nuclear assembly factor 1 ribonucleoprotein; minus strand). Cytogenetic location: 4q32.2.
Variant type: Duplication.
Identifiers: ClinVar variation 2427234 (VCV002427234.4).

ClinVar aggregate classification (germline): Uncertain significance (1 of 4 stars; one submission).

Submission:

Labcorp Genetics (formerly Invitae), Labcorp
Classification: Uncertain significance. Last evaluated: 2022-05-31. Review status: criteria provided, single submitter. Criteria: Invitae Variant Classification Sherloc (09022015). Collection method: clinical testing. Allele origin: germline.
Comment: In summary, the available evidence is currently insufficient to determine the role of this variant in disease. Therefore, it has been classified as a Variant of Uncertain Significance. Experimental studies and prediction algorithms are not available or were not evaluated, and the functional significance of this variant is currently unknown. This variant has not been reported in the literature in individuals affected with NAF1-related conditions. This variant results in a copy number gain of the genomic region encompassing exon(s) 3-8 of the NAF1 gene. This region includes the termination codon of the gene. This copy number gain extends beyond the assayed region for this gene and therefore may encompass additional genes. As the precise location of this event is unknown, it may be in tandem or it may be located elsewhere in the genome.